The following is an entry in ClinVar:

ClinVar aggregate classification (germline): Uncertain significance (1 of 4 stars; one submission).

Conditions:
Autosomal recessive limb-girdle muscular dystrophy type 2J (LGMDR10). Also called: Limb-girdle muscular dystrophy, type 2J; MUSCULAR DYSTROPHY, LIMB-GIRDLE, AUTOSOMAL RECESSIVE 10. Identifiers: Orphanet 140922, MedGen C1837342, MONDO:0012127, OMIM 608807.
Dilated cardiomyopathy 1G (CMD1G). Identifiers: Orphanet 154, MedGen C1858763, MONDO:0011400, OMIM 604145.

Submission:

Labcorp Genetics (formerly Invitae), Labcorp
Classification: Uncertain significance for Dilated cardiomyopathy 1G; Autosomal recessive limb-girdle muscular dystrophy type 2J. Last evaluated: 2024-10-17. Review status: criteria provided, single submitter. Criteria: Invitae Variant Classification Sherloc (09022015). Collection method: clinical testing. Allele origin: germline.
Comment: This sequence change falls in intron 55 of the TTN gene. It does not directly change the encoded amino acid sequence of the TTN protein. It affects a nucleotide within the consensus splice site. This variant is not present in population databases (gnomAD no frequency). This variant has not been reported in the literature in individuals affected with TTN-related conditions. Variants that disrupt the consensus splice site are a relatively common cause of aberrant splicing (PMID: 17576681, 9536098). Algorithms developed to predict the effect of sequence changes on RNA splicing suggest that this variant may disrupt the consensus splice site. This variant is located in the I band of TTN (PMID: 25589632). Non-truncating variants in this region may be clinically relevant, but have not been definitively shown to cause cardiomyopathy or neuromuscular disease (PMID: 27493940, 32778822). In summary, the available evidence is currently insufficient to determine the role of this variant in disease. Therefore, it has been classified as a Variant of Uncertain Significance.

Literature cited by the submitters: PubMed 17576681; PubMed 9536098; PubMed 25589632; PubMed 27493940; PubMed 32778822.

NM_001267550.2(TTN):c.16342+5G>A

Gene: TTN (titin; minus strand). Cytogenetic location: 2q31.2.
Variant type: single nucleotide variant.
Coding change: c.16342+5G>A on transcript NM_001267550.2 (MANE Select); 5 bases into the intron after coding-DNA position 16342, G replaced by A.
Molecular consequence: intron variant.
Genome position (GRCh38, 1-based): chr2:178,732,829, C>T on the plus strand (G>A on the coding strand, the complement: TTN is on the minus strand). VCF-style: chr2-178732829-C-T. GRCh37 (hg19) VCF-style: chr2-179597556-C-T.
Other names: c.13282+5253G>A (NM_003319.4); c.13858+5253G>A (NM_133437.4); c.13657+5253G>A (NM_133432.3); c.12610+5G>A (NM_133378.4); c.15391+5G>A (NM_001256850.1).
Identifiers: ClinVar variation 3753259 (VCV003753259.2).